The following is an entry in ClinVar:

ClinVar aggregate classification (germline): Uncertain significance (1 of 4 stars; one submission).

Submission:

Labcorp Genetics (formerly Invitae), Labcorp
Classification: Uncertain significance. Last evaluated: 2022-06-22. Review status: criteria provided, single submitter. Criteria: Invitae Variant Classification Sherloc (09022015). Collection method: clinical testing. Allele origin: germline.
Comment: In summary, the available evidence is currently insufficient to determine the role of this variant in disease. Therefore, it has been classified as a Variant of Uncertain Significance. This sequence change creates a premature translational stop signal (p.Lys802Asnfs*14) in the VCAN gene. It is expected to result in an absent or disrupted protein product. However, the current clinical and genetic evidence is not sufficient to establish whether loss-of-function variants in VCAN cause disease. This variant is not present in population databases (gnomAD no frequency). This variant has not been reported in the literature in individuals affected with VCAN-related conditions.

NM_004385.5(VCAN):c.2406del (p.Lys802fs)

Gene: VCAN (versican; plus strand). Cytogenetic location: 5q14.3.
Variant type: Deletion.
Coding change: c.2406del on transcript NM_004385.5 (MANE Select); coding-DNA position 2406, one base deleted (A; older notation c.2406delA).
Protein change: p.Lys802fs; shifts the reading frame from lysine 802.
Molecular consequence: frameshift variant. On other transcripts: intron variant (2).
Genome position (GRCh38, 1-based): chr5:83,520,712, A deleted; the last of 4 consecutive A bases (chr5:83,520,709-83,520,712); deleting any one gives the same sequence. VCF-style (leftmost placement, unchanged base first): chr5-83520708-CA-C. GRCh37 (hg19) VCF-style: chr5-82816527-CA-C.
Other names: c.2406del, p.Lys802fs (NM_001164098.2); c.1042+8316del (NM_001164097.2, NM_001126336.3); short protein forms K802fs.
Identifiers: ClinVar variation 1957740 (VCV001957740.5), dbSNP rs1746054050, ClinGen allele CA1078165116.